The following is an entry in ClinVar:

NM_000059.4(BRCA2):c.2244C>A (p.Tyr748Ter)

Gene: BRCA2 (BRCA2 DNA repair associated; plus strand). Cytogenetic location: 13q13.1.
Variant type: single nucleotide variant.
Coding change: c.2244C>A on transcript NM_000059.4 (MANE Select); coding-DNA position 2244, C replaced by A.
Protein change: p.Tyr748Ter; replaces tyrosine 748 with a stop codon.
Molecular consequence: nonsense. On other transcripts: non-coding transcript variant (1), intron variant (2).
Genome position (GRCh38, 1-based): chr13:32,336,599, C>A. VCF-style: chr13-32336599-C-A. GRCh37 (hg19) VCF-style: chr13-32910736-C-A.
Other names: c.2244C>A, p.Tyr748Ter (NM_001406719.1, NM_001406720.1, NM_001432077.1); c.1909+3212C>A (NM_001406721.1); c.424+5569C>A (NM_001406722.1); short protein forms Y748*.
Identifiers: ClinVar variation 4867807 (VCV004867807.1).
Genomic context (GRCh38, chr13:32,336,599, plus strand): 5'-TATAAAAGAAGAGGTCTTGGCTGCAGCATGTCACCCAGTACAACATTCAAAAGTGGAATA[C>A]AGTGATACTGACTTTCAATCCCAGAAAAGTCTTTTATATGATCATGAAAATGCCAGCACT-3'

ClinVar aggregate classification (germline): Pathogenic (1 of 4 stars; one submission).

Conditions:
Hereditary cancer-predisposing syndrome. Also called: Neoplastic Syndromes, Hereditary; Tumor predisposition; Hereditary Cancer Syndrome; Hereditary neoplastic syndrome. Identifiers: Orphanet 140162, MedGen C0027672, MeSH D009386, MONDO:0015356.

Submission:

Ambry Genetics
Classification: Pathogenic for Hereditary cancer-predisposing syndrome. Last evaluated: 2026-04-03. Review status: criteria provided, single submitter. Criteria: Ambry Variant Classification Scheme 2023. Collection method: clinical testing. Allele origin: germline.
Comment: The p.Y748* pathogenic mutation (also known as c.2244C>A), located in coding exon 10 of the BRCA2 gene, results from a C to A substitution at nucleotide position 2244. This changes the amino acid from a tyrosine to a stop codon within coding exon 10. This variant is considered to be rare based on population cohorts in the Genome Aggregation Database (gnomAD). This alteration is expected to result in loss of function by premature protein truncation or nonsense-mediated mRNA decay. As such, this alteration is interpreted as a disease-causing mutation.